The following is an entry in ClinVar:

NM_182914.3(SYNE2):c.14827C>T (p.Leu4943Phe)

Gene: SYNE2 (spectrin repeat containing nuclear envelope protein 2; plus strand). Cytogenetic location: 14q23.2.
Variant type: single nucleotide variant.
Coding change: c.14827C>T on transcript NM_182914.3 (MANE Select); coding-DNA position 14827, C replaced by T.
Protein change: p.Leu4943Phe; replaces leucine 4943 with phenylalanine.
Molecular consequence: missense variant.
Genome position (GRCh38, 1-based): chr14:64,137,967, C>T. VCF-style: chr14-64137967-C-T. GRCh37 (hg19) VCF-style: chr14-64604685-C-T.
Other names: c.14827C>T, p.Leu4943Phe (NM_015180.6); short protein forms L4943F.
Identifiers: ClinVar variation 956213 (VCV000956213.9), dbSNP rs150137142, ClinGen allele CA7222880.

ClinVar aggregate classification (germline): Uncertain significance (1 of 4 stars; one submission).

Conditions:
Emery-Dreifuss muscular dystrophy 5, autosomal dominant (EDMD5). Also called: EMERY-DREIFUSS MUSCULAR DYSTROPHY 5. Identifiers: Orphanet 261, MedGen C2751805, MONDO:0013072, OMIM 612999.

Allele frequency attached by ClinVar (database versions not stated): gnomAD exomes below 0.00001; ExAC 0.00001; gnomAD 0.00004; TOPMed 0.00005; ESP Exome Variant Server 0.00015.
gnomAD v4.1: 6 of 1,613,748 alleles (0.00037%); highest among the groups gnomAD compares: African/African-American, 0.0067%; no homozygotes.

Submission:

Labcorp Genetics (formerly Invitae), Labcorp
Classification: Uncertain significance for Emery-Dreifuss muscular dystrophy 5, autosomal dominant. Last evaluated: 2025-02-03. Review status: criteria provided, single submitter. Criteria: Invitae Variant Classification Sherloc (09022015). Collection method: clinical testing. Allele origin: germline.
Comment: This sequence change replaces leucine, which is neutral and non-polar, with phenylalanine, which is neutral and non-polar, at codon 4943 of the SYNE2 protein (p.Leu4943Phe). This variant is present in population databases (rs150137142, gnomAD 0.007%). This variant has not been reported in the literature in individuals affected with SYNE2-related conditions. ClinVar contains an entry for this variant (Variation ID: 956213). An algorithm developed to predict the effect of missense changes on protein structure and function (PolyPhen-2) suggests that this variant is likely to be disruptive. In summary, the available evidence is currently insufficient to determine the role of this variant in disease. Therefore, it has been classified as a Variant of Uncertain Significance.